The following is an entry in ClinVar:

NM_033419.5(PGAP3):c.558-10G>A

Gene: PGAP3 (post-GPI attachment to proteins phospholipase 3; minus strand). Cytogenetic location: 17q12.
Variant type: single nucleotide variant.
Coding change: c.558-10G>A on transcript NM_033419.5 (MANE Select); 10 bases into the intron before coding-DNA position 558, G replaced by A.
Molecular consequence: intron variant.
Genome position (GRCh38, 1-based): chr17:39,673,660, C>T on the plus strand (G>A on the coding strand, the complement: PGAP3 is on the minus strand). VCF-style: chr17-39673660-C-T. GRCh37 (hg19) VCF-style: chr17-37829913-C-T.
Other names: c.405-10G>A (NM_001291726.2); c.433-794G>A (NM_001291733.2); c.494+333G>A (NM_001291732.2); c.495-10G>A (NM_001291728.2); c.557+333G>A (NM_001291730.2).
Identifiers: ClinVar variation 224645 (VCV000224645.16), dbSNP rs200598755, ClinGen allele CA351384.

ClinVar aggregate classification (germline): Pathogenic/Likely pathogenic. Review status: criteria provided, multiple submitters, no conflicts (2 of 4 stars). 6 submissions from 6 submitters: Pathogenic (4); Likely pathogenic (1). 1 of the submissions does not count toward it. Last evaluated 2025-03-25.

Conditions:
Hyperphosphatasia with impaired intellectual development syndrome 4. Also called: GLYCOSYLPHOSPHATIDYLINOSITOL BIOSYNTHESIS DEFECT 10; Hyperphosphatasia with intellectual disability syndrome 4. Identifiers: Orphanet 247262, MedGen C3810354, MONDO:0014318, OMIM 615716.

Allele frequency attached by ClinVar (database versions not stated): gnomAD exomes 0.00008; gnomAD 0.00009; ExAC 0.00010; TOPMed 0.00011; 1000 Genomes Project 30x 0.00016; 1000 Genomes Project 0.00020.
gnomAD v4.1: 344 of 1,613,268 alleles (0.021%); highest among the groups gnomAD compares: Non-Finnish European, 0.028%; no homozygotes.

Submissions (6):

Labcorp Genetics (formerly Invitae), Labcorp
Classification: Pathogenic. Last evaluated: 2025-03-25. Review status: criteria provided, single submitter. Criteria: Invitae Variant Classification Sherloc (09022015). Collection method: clinical testing. Allele origin: germline.
Comment: This sequence change falls in intron 5 of the PGAP3 gene. It does not directly change the encoded amino acid sequence of the PGAP3 protein. This variant is present in population databases (rs200598755, gnomAD 0.01%). This variant has been observed in individual(s) with PGAP3-congenital disorder of glycosylation (PMID: 27120253). In at least one individual the data is consistent with being in trans (on the opposite chromosome) from a pathogenic variant. ClinVar contains an entry for this variant (Variation ID: 224645). Algorithms developed to predict the effect of sequence changes on RNA splicing suggest that this variant may disrupt the consensus splice site. For these reasons, this variant has been classified as Pathogenic.

Victorian Clinical Genetics Services, Murdoch Childrens Research Institute
Classification: Pathogenic for Hyperphosphatasia with impaired intellectual development syndrome 4. Last evaluated: 2025-01-22. Review status: criteria provided, single submitter. Criteria: ACMG Guidelines, 2015. Collection method: clinical testing. Allele origin: germline. Affected: yes.
Comment: This variant is classified as Pathogenic. Evidence in support of pathogenic classification: Splice site variant proven to affect splicing of the transcript with uncertain effect on protein sequence. Quantitative PCR demonstrated reduced transcript level and reduced splicing efficiency but did not show the protein impact (PMID: 27120253); Variant is present in gnomAD <0.01 for a recessive condition (v4: 344 heterozygote(s), 0 homozygote(s)); This variant has strong previous evidence of pathogenicity in unrelated individuals. This variant has been classified as likely pathogenic/pathogenic by diagnostic laboratories in ClinVar, and reported in the literature in individuals with global developmental delay and intellectual disability (PMIDs: 27120253, 36344539). Additional information: This variant is heterozygous; This gene is associated with autosomal recessive disease; Alternative nucleotide change(s) at the same non-canonical splice site are present in gnomAD (Highest allele count: v4: 1 heterozygote(s), 0 homozygote(s)); No comparable splice site variants have previous evidence for pathogenicity; In silico prediction for abnormal splicing and nucleotide conservation are conflicting; Loss of function is a known mechanism of disease in this gene and is associated with hyperphosphatasia with impaired intellectual disability syndrome 4 (MIM#615716).

GeneDx
Classification: Pathogenic. Last evaluated: 2023-05-05. Review status: criteria provided, single submitter. Criteria: GeneDx Variant Classification Process June 2021. Collection method: clinical testing. Allele origin: germline. Affected: yes.
Comment: Published functional studies demonstrate a damaging effect resulting in abnormal gene splicing (Knaus et al., 2016); Not observed at significant frequency in large population cohorts (gnomAD); In silico analysis supports a deleterious effect on splicing; This variant is associated with the following publications: (PMID: 27120253)

Department of Genetics, Sultan Qaboos University Hospital
Classification: Pathogenic for Hyperphosphatasia with mental retardation syndrome 4. Last evaluated: 2022-06-30. Review status: criteria provided, single submitter. Criteria: ACMG Guidelines, 2015. Collection method: clinical testing. Allele origin: germline.

Baylor Genetics
Classification: Likely pathogenic for Hyperphosphatasia with impaired intellectual development syndrome 4. Last evaluated: 2019-03-07. Review status: criteria provided, single submitter. Criteria: ACMG Guidelines, 2015. Collection method: clinical testing. Allele origin: paternal. Affected: yes.
Comment: This variant was determined to be likely pathogenic according to ACMG Guidelines, 2015 [PMID:25741868].

Institute for Medical Genetics and Human Genetics, Charité - Universitätsmedizin Berlin
Classification: Pathogenic for Hyperphosphatasia with impaired intellectual development syndrome 4. Last evaluated: 2016-03-01. Review status: no assertion criteria provided. Collection method: research. Allele origin: germline. Affected: yes. Not counted in ClinVar's aggregate classification.
Comment: Disease causing variant in homozygous or compound heterozygous state

Literature cited by the submitters: PubMed 27120253 (cited by Labcorp Genetics (formerly Invitae), Labcorp and Victorian Clinical Genetics Services, Murdoch Childrens Research Institute); PubMed 36344539 (cited by Victorian Clinical Genetics Services, Murdoch Childrens Research Institute).